The following is an entry in ClinVar:

ClinVar aggregate classification (germline): Likely benign. Review status: criteria provided, multiple submitters, no conflicts (2 of 4 stars). 3 submissions from 3 submitters: Likely benign (3). Last evaluated 2024-02-01.

Conditions:
Hereditary cancer-predisposing syndrome. Also called: Tumor predisposition; Hereditary neoplastic syndrome; Hereditary Cancer Syndrome; Neoplastic Syndromes, Hereditary. Identifiers: Orphanet 140162, MedGen C0027672, MeSH D009386, MONDO:0015356.

Submissions (3):

CeGaT Center for Human Genetics Tuebingen
Classification: Likely benign. Last evaluated: 2024-02-01. Review status: criteria provided, single submitter. Criteria: CeGaT Center For Human Genetics Tuebingen Variant Classification Criteria Version 2. Collection method: clinical testing. Allele origin: germline. Affected: yes. Observed: 1 variant allele.
Comment: SMARCB1: BP4, BP7

Ambry Genetics
Classification: Likely benign for Hereditary cancer-predisposing syndrome. Last evaluated: 2022-10-09. Review status: criteria provided, single submitter. Criteria: Ambry Variant Classification Scheme 2023. Collection method: clinical testing. Allele origin: germline.

Labcorp Genetics (formerly Invitae), Labcorp
Classification: Likely benign. Last evaluated: 2022-08-25. Review status: criteria provided, single submitter. Criteria: Invitae Variant Classification Sherloc (09022015). Collection method: clinical testing. Allele origin: germline.

NM_003073.5(SMARCB1):c.645T>G (p.Pro215=)

Gene: SMARCB1 (SWI/SNF related BAF chromatin remodeling complex subunit B1; plus strand). Cytogenetic location: 22q11.23.
Variant type: single nucleotide variant.
Coding change: c.645T>G on transcript NM_003073.5 (MANE Select); coding-DNA position 645, T replaced by G.
Protein change: p.Pro215=; no amino-acid change (proline 215 retained).
Molecular consequence: synonymous variant.
Genome position (GRCh38, 1-based): chr22:23,816,786, T>G. VCF-style: chr22-23816786-T-G. GRCh37 (hg19) VCF-style: chr22-24158973-T-G.
Other names: c.618T>G, p.Pro206= (NM_001007468.3); c.672T>G, p.Pro224= (NM_001317946.2); c.699T>G, p.Pro233= (NM_001362877.2).
Identifiers: ClinVar variation 1160752 (VCV001160752.33), dbSNP rs917531532, ClinGen allele CA322567929.